The following is an entry in ClinVar:

NM_001365999.1(SZT2):c.3785C>G (p.Pro1262Arg)

Gene: SZT2 (SZT2 subunit of KICSTOR complex; plus strand). Cytogenetic location: 1p34.2.
Variant type: single nucleotide variant.
Coding change: c.3785C>G on transcript NM_001365999.1 (MANE Select); coding-DNA position 3785, C replaced by G.
Protein change: p.Pro1262Arg; replaces proline 1262 with arginine.
Molecular consequence: missense variant.
Genome position (GRCh38, 1-based): chr1:43,427,716, C>G. VCF-style: chr1-43427716-C-G. GRCh37 (hg19) VCF-style: chr1-43893387-C-G.
Other names: c.3614C>G, p.Pro1205Arg (NM_015284.4); short protein forms P1205R, P1262R.
Identifiers: ClinVar variation 998710 (VCV000998710.8), dbSNP rs1653346629, ClinGen allele CA340019037.

ClinVar aggregate classification (germline): Uncertain significance (1 of 4 stars; one submission).

Submission:

Labcorp Genetics (formerly Invitae), Labcorp
Classification: Uncertain significance. Last evaluated: 2024-02-16. Review status: criteria provided, single submitter. Criteria: Invitae Variant Classification Sherloc (09022015). Collection method: clinical testing. Allele origin: germline.
Comment: This sequence change replaces proline, which is neutral and non-polar, with arginine, which is basic and polar, at codon 1205 of the SZT2 protein (p.Pro1205Arg). This variant is not present in population databases (gnomAD no frequency). This variant has not been reported in the literature in individuals affected with SZT2-related conditions. ClinVar contains an entry for this variant (Variation ID: 998710). Advanced modeling of protein sequence and biophysical properties (such as structural, functional, and spatial information, amino acid conservation, physicochemical variation, residue mobility, and thermodynamic stability) performed at Invitae indicates that this missense variant is not expected to disrupt SZT2 protein function with a negative predictive value of 80%. In summary, the available evidence is currently insufficient to determine the role of this variant in disease. Therefore, it has been classified as a Variant of Uncertain Significance.